The following is an entry in ClinVar:

ClinVar aggregate classification (germline): Uncertain significance. Review status: reviewed by expert panel (3 of 4 stars). 2 submissions from 2 submitters: Uncertain significance (1). 1 of the submissions does not count toward it. Last evaluated 2021-06-11.

Conditions:
Phenylketonuria (PKU). Also called: Phenylketonuria (PKU); FOLLING DISEASE; OLIGOPHRENIA PHENYLPYRUVICA; Phenylketonurias. Identifiers: Orphanet 716, MedGen C0031485, MONDO:0009861, OMIM 261600. Disease mechanism: loss of function.

Submissions (2):

ClinGen PAH Variant Curation Expert Panel
Classification: Uncertain significance for Phenylketonuria. Last evaluated: 2021-06-11. Review status: reviewed by expert panel. Criteria: ClinGen PAH ACMG Specifications v1. Collection method: curation. Allele origin: germline. Inheritance: Autosomal recessive inheritance.
Comment: The c.1030G>C (p.Gly344Arg) variant in PAH has been reported in 1 individual with with classic PKU, detected with pathogenic variant c.1315+1G>A (aka IVS12+1G>A, PMID: 23430918). This variant is absent in population databases. Multiple lines of computational evidence support a deleterious effect. Other missense changes at the same amino acid residue have been seen before (p.Gly344Val, p.Gly344Asp and p.Gly344Ser are likely pathogenic by PAH VCEP). In summary, this variant meets criteria to be classified as uncertain significance for PAH. PAH-specific ACMG/AMP criteria applied: PP3, PP4, PM2, PM3_supporting.

DeBelle Laboratory for Biochemical Genetics, MUHC/MCH RESEARCH INSTITUTE
No classification provided. Review status: no classification provided. Collection method: not provided. Allele origin: not provided. Not counted in ClinVar's aggregate classification.

NM_000277.3(PAH):c.1030G>C (p.Gly344Arg)

Gene: PAH (phenylalanine hydroxylase; minus strand). Cytogenetic location: 12q23.2.
Variant type: single nucleotide variant.
Coding change: c.1030G>C on transcript NM_000277.3 (MANE Select); coding-DNA position 1030, G replaced by C.
Protein change: p.Gly344Arg; replaces glycine 344 with arginine.
Molecular consequence: missense variant.
Genome position (GRCh38, 1-based): chr12:102,844,371, C>G on the plus strand (G>C on the coding strand, the complement: PAH is on the minus strand). VCF-style: chr12-102844371-C-G. GRCh37 (hg19) VCF-style: chr12-103238149-C-G.
Other names: c.1030G>C, p.Gly344Arg (NM_001354304.2); short protein forms G344R.
Identifiers: ClinVar variation 102480 (VCV000102480.2), dbSNP rs62508679, ClinGen allele CA229287.